The following is an entry in ClinVar:

NM_001351169.2(NT5C2):c.1172A>G (p.Glu391Gly)

Gene: NT5C2 (5'-nucleotidase, cytosolic II; minus strand). Cytogenetic location: 10q24.32.
Variant type: single nucleotide variant.
Coding change: c.1172A>G on transcript NM_001351169.2 (MANE Select); coding-DNA position 1172, A replaced by G.
Protein change: p.Glu391Gly; replaces glutamic acid 391 with glycine.
Molecular consequence: missense variant.
Genome position (GRCh38, 1-based): chr10:103,091,603, T>C on the plus strand (A>G on the coding strand, the complement: NT5C2 is on the minus strand). VCF-style: chr10-103091603-T-C. GRCh37 (hg19) VCF-style: chr10-104851360-T-C.
Other names: c.1172A>G, p.Glu391Gly (NM_001134373.3, NM_012229.5); c.1196A>G, p.Glu399Gly (NM_001351170.2, NM_001351171.2, NM_001351172.2 and 1 more transcripts); c.1085A>G, p.Glu362Gly (NM_001351174.1); c.1079A>G, p.Glu360Gly (NM_001351175.2); c.599A>G, p.Glu200Gly (NM_001351176.2, NM_001351177.2, NM_001351178.2 and 16 more transcripts); c.458A>G, p.Glu153Gly (NM_001351194.2, NM_001351195.2, NM_001351196.2); short protein forms E391G, E399G, E153G, E360G, E362G, E200G.
Identifiers: ClinVar variation 474941 (VCV000474941.10), dbSNP rs775006132, ClinGen allele CA5670833.
Genomic context (GRCh38, chr10:103,091,603, plus strand): 5'-AGAAATTTTTAGAAAACTTACTTGTAGAGTTCAGCCAAGAAAATATCCAAGCTCTGAAGT[T>C]CTTCGAAAAGTGCTAGTTAAGGTTTGGAAGGAAAAGGAAGACATTTTAAATAAATAAGCA-3'
Protein context (NP_001338098.1, residues 381-401): VWTDKSSLFE[Glu391Gly]LQSLDIFLAE

ClinVar aggregate classification (germline): Uncertain significance. Review status: criteria provided, multiple submitters, no conflicts (2 of 4 stars). 2 submissions from 2 submitters: Uncertain significance (2). Last evaluated 2023-08-10.

Conditions:
Inborn genetic diseases. Identifiers: MedGen C0950123, MeSH D030342.
Hereditary spastic paraplegia 45. Also called: Spastic paraplegia 45, autosomal recessive; SPASTIC PARAPLEGIA 45. Identifiers: Orphanet 320396, MedGen C3888209, MONDO:0013165, OMIM 613162.

Allele frequency attached by ClinVar (database versions not stated): gnomAD exomes below 0.00001; ExAC 0.00001.
gnomAD v4.1: 2 of 1,613,512 alleles (0.00012%); highest among the groups gnomAD compares: Non-Finnish European, 0.00017%; no homozygotes.

Submissions (2):

Ambry Genetics
Classification: Uncertain significance for Inborn genetic diseases. Last evaluated: 2023-08-10. Review status: criteria provided, single submitter. Criteria: Ambry Variant Classification Scheme 2023. Collection method: clinical testing. Allele origin: germline.

Labcorp Genetics (formerly Invitae), Labcorp
Classification: Uncertain significance for Hereditary spastic paraplegia 45. Last evaluated: 2017-02-07. Review status: criteria provided, single submitter. Criteria: Invitae Variant Classification Sherloc (09022015). Collection method: clinical testing. Allele origin: germline.
Comment: This sequence change replaces glutamic acid with glycine at codon 391 of the NT5C2 protein (p.Glu391Gly). The glutamic acid residue is highly conserved and there is a moderate physicochemical difference between glutamic acid and glycine. The frequency data for this variant (rs775006132) in the population databases is unreliable, as metrics indicate poor quality at this position in the ExAC database. This variant has not been reported in the literature in individuals with a NT5C2-related disease. Algorithms developed to predict the effect of missense changes on protein structure and function do not agree on the potential impact of this missense change (SIFT: "Deleterious"; PolyPhen-2: "Benign"; Align-GVGD: "Class C65"). In summary, this variant is a missense change with unknown frequency in the general population and with uncertain impact on protein function. It has been classified as a Variant of Uncertain Significance.